The following is an entry in ClinVar:

NM_016121.5(KCTD3):c.810T>A (p.Ser270Arg)

Gene: KCTD3 (potassium channel tetramerization domain containing 3; plus strand). Cytogenetic location: 1q41.
Variant type: single nucleotide variant.
Coding change: c.810T>A on transcript NM_016121.5 (MANE Select); coding-DNA position 810, T replaced by A.
Protein change: p.Ser270Arg; replaces serine 270 with arginine.
Molecular consequence: missense variant.
Genome position (GRCh38, 1-based): chr1:215,586,678, T>A. VCF-style: chr1-215586678-T-A. GRCh37 (hg19) VCF-style: chr1-215760021-T-A.
Other names: c.810T>A, p.Ser270Arg (NM_001319294.2); c.504T>A, p.Ser168Arg (NM_001319295.2); short protein forms S168R, S270R.
Identifiers: ClinVar variation 4858682 (VCV004858682.1).

ClinVar aggregate classification (germline): Uncertain significance (1 of 4 stars; one submission).

Conditions:
Inborn genetic diseases. Identifiers: MedGen C0950123, MeSH D030342.

gnomAD v4.1: 14 of 1,606,850 alleles (0.00087%); highest among the groups gnomAD compares: Non-Finnish European, 0.0012%; no homozygotes.

Submission:

Ambry Genetics
Classification: Uncertain significance for Inborn genetic diseases. Last evaluated: 2026-03-27. Review status: criteria provided, single submitter. Criteria: Ambry Variant Classification Scheme 2023. Collection method: clinical testing. Allele origin: germline.
Comment: The c.810T>A (p.S270R) alteration is located in exon 9 (coding exon 9) of the KCTD3 gene. This alteration results from a T to A substitution at nucleotide position 810, causing the serine (S) at amino acid position 270 to be replaced by an arginine (R). Based on data from gnomAD, the A allele has an overall frequency of <0.001% (1/246260) total alleles studied. The highest observed frequency was 0.001% (1/111948) of European (non-Finnish) alleles. Based on insufficient or conflicting evidence, the clinical significance of this alteration remains unclear.